The following is an entry in ClinVar:

NM_001302084.2(TOP6BL):c.1006T>C (p.Ser336Pro)

Gene: TOP6BL (TOP6B like initiator of meiotic double strand breaks; plus strand). Cytogenetic location: 11q13.2.
Variant type: single nucleotide variant.
Coding change: c.1006T>C on transcript NM_001302084.2 (MANE Select); coding-DNA position 1006, T replaced by C.
Protein change: p.Ser336Pro; replaces serine 336 with proline.
Molecular consequence: missense variant.
Genome position (GRCh38, 1-based): chr11:66,822,606, T>C. VCF-style: chr11-66822606-T-C. GRCh37 (hg19) VCF-style: chr11-66590077-T-C.
Other names: C11ORF80, SER501PRO; c.1354T>C, p.Ser452Pro (NM_024650.4); short protein forms S501P, S336P, S452P.
Identifiers: ClinVar variation 627626 (VCV000627626.3), dbSNP rs1449401018, ClinGen allele CA381481278.

ClinVar aggregate classification (germline): Uncertain significance. Review status: criteria provided, single submitter (1 of 4 stars). 2 submissions from 2 submitters: Uncertain significance (1). 1 of the submissions does not count toward it. Last evaluated 2019-09-30.

Conditions:
Hydatidiform mole, recurrent, 4. Identifiers: MedGen C5193094, MONDO:0032747, OMIM 618432.

Allele frequency attached by ClinVar (database versions not stated): gnomAD 0.00001; gnomAD exomes 0.00002.
gnomAD v4.1: 7 of 1,553,052 alleles (0.00045%); highest among the groups gnomAD compares: Admixed American, 0.014%; no homozygotes.

Submissions (2):

SIB Swiss Institute of Bioinformatics
Classification: Uncertain significance for Hydatidiform mole, recurrent, 4. Last evaluated: 2019-09-30. Review status: criteria provided, single submitter. Criteria: ACMG Guidelines, 2015. Collection method: curation. Allele origin: unknown.
Comment: This variant is interpreted as a variant of uncertain significance for Hydatidiform mole, recurrent, 4. The following ACMG Tag(s) were applied: PM2, PP3, PM3-Supporting.

OMIM
Classification: Pathogenic for HYDATIDIFORM MOLE, RECURRENT, 4. Last evaluated: 2019-05-15. Review status: no assertion criteria provided. Collection method: literature only. Allele origin: germline. Not counted in ClinVar's aggregate classification.

Literature cited by the submitters: PubMed 30388401 (cited by SIB Swiss Institute of Bioinformatics and OMIM); Hamosh, A. Personal Communication. 2019. Baltimore, Md. (cited by OMIM).